The following is an entry in ClinVar:

ClinVar aggregate classification (germline): Likely benign (1 of 4 stars; one submission).

Conditions:
Cataract 6 multiple types. Also called: CATARACT, AGE-RELATED CORTICAL, 2; CATARACT 6, POSTERIOR POLAR; CATARACT 6, CONGENITAL TOTAL. Identifiers: Orphanet 91492, MedGen C1861825, MONDO:0007288, OMIM 116600.

Allele frequency attached by ClinVar (database versions not stated): TOPMed 0.00002; gnomAD exomes 0.00004 and 0.00003; ExAC 0.00002; gnomAD 0.00004.
gnomAD v4.1: 51 of 1,613,520 alleles (0.0032%); highest among the groups gnomAD compares: Middle Eastern, 0.016%; no homozygotes.

Submission:

Illumina Laboratory Services, Illumina
Classification: Likely benign for Cataract 6 multiple types. Last evaluated: 2018-01-13. Review status: criteria provided, single submitter. Criteria: ICSL Variant Classification Criteria 13 December 2019. Collection method: clinical testing. Allele origin: germline.
Comment: This variant was observed in the ICSL laboratory as part of a predisposition screen in an ostensibly healthy population. It had not been previously curated by ICSL or reported in the Human Gene Mutation Database (HGMD: prior to June 1st, 2018), and was therefore a candidate for classification through an automated scoring system. Utilizing variant allele frequency, disease prevalence and penetrance estimates, and inheritance mode, an automated score was calculated to assess if this variant is too frequent to cause the disease. Based on the score and internal cut-off values, a variant classified as likely benign is not then subjected to further curation. The score for this variant resulted in a classification of likely benign for this disease.

NM_004431.5(EPHA2):c.1380G>A (p.Pro460=)

Gene: EPHA2 (EPH receptor A2; minus strand). Cytogenetic location: 1p36.13.
Variant type: single nucleotide variant.
Coding change: c.1380G>A on transcript NM_004431.5 (MANE Select); coding-DNA position 1380, G replaced by A.
Protein change: p.Pro460=; no amino-acid change (proline 460 retained).
Molecular consequence: synonymous variant.
Genome position (GRCh38, 1-based): chr1:16,135,703, C>T on the plus strand (G>A on the coding strand, the complement: EPHA2 is on the minus strand). VCF-style: chr1-16135703-C-T. GRCh37 (hg19) VCF-style: chr1-16462198-C-T.
Other names: c.1218G>A, p.Pro406= (NM_001329090.2).
Identifiers: ClinVar variation 293432 (VCV000293432.5), dbSNP rs767195093, ClinGen allele CA625213.